The following is an entry in ClinVar:

NM_006269.2(RP1):c.4308C>T (p.Ser1436=)

Gene: RP1 (RP1 axonemal microtubule associated; plus strand). Cytogenetic location: 8q12.1.
Variant type: single nucleotide variant.
Coding change: c.4308C>T on transcript NM_006269.2 (MANE Select); coding-DNA position 4308, C replaced by T.
Protein change: p.Ser1436=; no amino-acid change (serine 1436 retained).
Molecular consequence: synonymous variant. On other transcripts: intron variant (1).
Genome position (GRCh38, 1-based): chr8:54,628,190, C>T. VCF-style: chr8-54628190-C-T. GRCh37 (hg19) VCF-style: chr8-55540750-C-T.
Other names: c.787+5902C>T (NM_001375654.1); c.4308C>T (NM_006269.1).
Identifiers: ClinVar variation 1111859 (VCV001111859.12), dbSNP rs190591946, ClinGen allele CA4751842.

ClinVar aggregate classification (germline): Likely benign. Review status: criteria provided, multiple submitters, no conflicts (2 of 4 stars). 4 submissions from 4 submitters: Likely benign (4). Last evaluated 2026-03-20.

Conditions:
RP1-related disorder. Also called: RP1-related condition.

Allele frequency attached by ClinVar (database versions not stated): gnomAD exomes 0.00002 and 0.00005; gnomAD 0.00007 and 0.00008; ExAC 0.00009; TOPMed 0.00009; ESP Exome Variant Server 0.00015; 1000 Genomes Project 30x 0.00062; 1000 Genomes Project 0.00080.
gnomAD v4.1: 44 of 1,613,956 alleles (0.0027%); highest among the groups gnomAD compares: African/African-American, 0.044%; no homozygotes.

Submissions (4):

PreventionGenetics, part of Exact Sciences
Classification: Likely benign for RP1-related condition. Last evaluated: 2026-03-20. Review status: criteria provided, single submitter. Criteria: ACMG Guidelines, 2015. Collection method: clinical testing. Allele origin: germline.
Comment: This variant is classified as likely benign based on ACMG/AMP sequence variant interpretation guidelines (Richards et al. 2015 PMID: 25741868, with internal and published modifications).

Labcorp Genetics (formerly Invitae), Labcorp
Classification: Likely benign. Last evaluated: 2025-07-31. Review status: criteria provided, single submitter. Criteria: Invitae Variant Classification Sherloc (09022015). Collection method: clinical testing. Allele origin: germline.

Blueprint Genetics
Classification: Likely benign. Last evaluated: 2024-08-09. Review status: criteria provided, single submitter. Criteria: ACMG Guidelines, 2015. Collection method: clinical testing. Allele origin: germline.

Breakthrough Genomics
Classification: Likely benign. Review status: criteria provided, single submitter. Criteria: ACMG Guidelines, 2015. Collection method: not provided. Allele origin: germline. Inheritance: Autosomal dominant inheritance. Affected: yes.